The following is an entry in ClinVar:

NM_005228.5(EGFR):c.1648G>A (p.Val550Met)

Gene: EGFR (epidermal growth factor receptor; plus strand). Cytogenetic location: 7p11.2.
Variant type: single nucleotide variant.
Coding change: c.1648G>A on transcript NM_005228.5 (MANE Select); coding-DNA position 1648, G replaced by A.
Protein change: p.Val550Met; replaces valine 550 with methionine.
Molecular consequence: missense variant.
Genome position (GRCh38, 1-based): chr7:55,163,749, G>A. VCF-style: chr7-55163749-G-A. GRCh37 (hg19) VCF-style: chr7-55231442-G-A.
Other names: c.1513G>A, p.Val505Met (NM_001346897.2, NM_001346899.2); c.1648G>A, p.Val550Met (NM_001346898.2, NM_201282.2, NM_201284.2); c.1489G>A, p.Val497Met (NM_001346900.2); c.847G>A, p.Val283Met (NM_001346941.2); c.1648G>A (NM_005228.3); short protein forms V505M, V550M, V283M, V497M.
Identifiers: ClinVar variation 1447693 (VCV001447693.7), dbSNP rs1785819776, ClinGen allele CA367580433.

ClinVar aggregate classification (germline): Conflicting classifications of pathogenicity. Review status: criteria provided, conflicting classifications (1 of 4 stars). 2 submissions from 2 submitters: Uncertain significance (1); Likely benign (1). Last evaluated 2026-01-19.

Conditions:
EGFR-related lung cancer (EGFR). Identifiers: MedGen CN130014.
Hereditary cancer-predisposing syndrome. Also called: Hereditary Cancer Syndrome; Hereditary neoplastic syndrome; Neoplastic Syndromes, Hereditary; Tumor predisposition. Identifiers: Orphanet 140162, MedGen C0027672, MeSH D009386, MONDO:0015356.

Allele frequency attached by ClinVar (database versions not stated): gnomAD exomes below 0.00001; gnomAD 0.00001.
gnomAD v4.1: 2 of 1,614,240 alleles (0.00012%); highest among the groups gnomAD compares: Non-Finnish European, 0.000085%; no homozygotes.

Submissions (2):

Labcorp Genetics (formerly Invitae), Labcorp
Classification: Uncertain significance for EGFR-related lung cancer. Last evaluated: 2026-01-19. Review status: criteria provided, single submitter. Criteria: Invitae Variant Classification Sherloc (09022015). Collection method: clinical testing. Allele origin: germline.
Comment: This sequence change replaces valine, which is neutral and non-polar, with methionine, which is neutral and non-polar, at codon 550 of the EGFR protein (p.Val550Met). This variant is not present in population databases (gnomAD no frequency). This variant has not been reported in the literature in individuals affected with EGFR-related conditions. ClinVar contains an entry for this variant (Variation ID: 1447693). Invitae Evidence Modeling of protein sequence and biophysical properties (such as structural, functional, and spatial information, amino acid conservation, physicochemical variation, residue mobility, and thermodynamic stability) indicates that this missense variant is not expected to disrupt EGFR protein function with a negative predictive value of 80%. In summary, the available evidence is currently insufficient to determine the role of this variant in disease. Therefore, it has been classified as a Variant of Uncertain Significance.

Ambry Genetics
Classification: Likely benign for Hereditary cancer-predisposing syndrome. Last evaluated: 2025-01-17. Review status: criteria provided, single submitter. Criteria: Ambry Variant Classification Scheme 2023. Collection method: clinical testing. Allele origin: germline.